The following is an entry in ClinVar:

ClinVar aggregate classification (germline): Pathogenic (1 of 4 stars; one submission).

Conditions:
Hereditary nonpolyposis colorectal neoplasms. Identifiers: MedGen C0009405, MeSH D003123.

Submission:

Labcorp Genetics (formerly Invitae), Labcorp
Classification: Pathogenic for Hereditary nonpolyposis colorectal neoplasms. Last evaluated: 2024-11-27. Review status: criteria provided, single submitter. Criteria: Invitae Variant Classification Sherloc (09022015). Collection method: clinical testing. Allele origin: germline.
Comment: This sequence change inserts a large fragment of DNA, likely a transposable element, in exon 11 of the PMS2 gene (c.1694_1695ins?), causing a frameshift at codon 565 (p.Leu565fs). The exact size and sequence of the insertion cannot be determined by the current assay. However, the insertion is expected to result in an absent or disrupted protein product. This variant is not present in population databases (gnomAD no frequency). This variant has not been reported in the literature in individuals affected with PMS2-related conditions. Retrotransposon insertions including LINE1 (L1), Alu, and SVA (SINE-VNTR-Alu) have been reported to be disease-causing through disruption of either a coding region or splice site (PMID: 19763152, 20307669, 22406018) and loss-of-function variants in PMS2 are known to be pathogenic (PMID: 21376568, 24362816). For these reasons, this variant has been classified as Pathogenic.

Literature cited by the submitters: PubMed 19763152; PubMed 20307669; PubMed 22406018; PubMed 21376568; PubMed 24362816.

NM_000535.7(PMS2):c.1694_1695insTTTTTTTTTTTTTTTTTTTTNNNNNNNNNNCTGACCTCGTGATCCGCCCGCCTCGGCCTCCCAAAGTGCTGGGATTACAGGCGTGAGCCACCGCGCCCGGCCCGTAAATTTCGAGTTTT (p.Leu565delinsPhePhePhePhePhePhePheXaaXaaXaaXaaTer)

Gene: PMS2 (PMS1 homolog 2, mismatch repair system component; minus strand). Cytogenetic location: 7p22.1.
Variant type: Microsatellite.
Coding change: c.1694_1695insTTTTTTTTTTTTTTTTTTTTNNNNNNNNNNCTGACCTCGTGATCCGCCCGCCTCGGCCTCCCAAAGTGCTGGGATTACAGGCGTGAGCCACCGCGCCCGGCCCGTAAATTTCGAGTTTT on transcript NM_000535.7 (MANE Select); coding-DNA positions 1694 to 1695, TTTTTTTTTTTTTTTTTTTTNNNNNNNNNNCTGACCTCGTGATCCGCCCGCCTCGGCCTCCCAAAGTGCTGGGATTACAGGCGTGAGCCACCGCGCCCGGCCCGTAAATTTCGAGTTTT inserted.
Protein change: p.Leu565delinsPhePhePhePhePhePhePheXaaXaaXaaXaaTer.
Molecular consequence: nonsense. On other transcripts: non-coding transcript variant (1), intron variant (1).
Genome position: GRCh38: chr7:5,987,071-5,987,086. GRCh37 (hg19), VCF-style position (the base before the change): chr7:6,026,701.
Other names: c.1376_1377insTTTTTTTTTTTTTTTTTTTTNNNNNNNNNNCTGACCTCGTGATCCGCCCGCCTCGGCCTCCCAAAGTGCTGGGATTACAGGCGTGAGCCACCGCGCCCGGCCCGTAAATTTCGAGTTTT, p.Leu459delinsPhePhePhePhePhePhePheXaaXaaXaaXaaTer (NM_001322007.2, NM_001322008.2, NM_001406903.1 and 2 more transcripts); c.1289_1290insTTTTTTTTTTTTTTTTTTTTNNNNNNNNNNCTGACCTCGTGATCCGCCCGCCTCGGCCTCCCAAAGTGCTGGGATTACAGGCGTGAGCCACCGCGCCCGGCCCGTAAATTTCGAGTTTT, p.Leu430delinsPhePhePhePhePhePhePheXaaXaaXaaXaaTer (NM_001322009.2, NM_001406898.1, NM_001406899.1 and 16 more transcripts); c.1133_1134insTTTTTTTTTTTTTTTTTTTTNNNNNNNNNNCTGACCTCGTGATCCGCCCGCCTCGGCCTCCCAAAGTGCTGGGATTACAGGCGTGAGCCACCGCGCCCGGCCCGTAAATTTCGAGTTTT, p.Leu378delinsPhePhePhePhePhePhePheXaaXaaXaaXaaTer (NM_001322010.2, NM_001406906.1, NM_001406907.1); c.761_762insTTTTTTTTTTTTTTTTTTTTNNNNNNNNNNCTGACCTCGTGATCCGCCCGCCTCGGCCTCCCAAAGTGCTGGGATTACAGGCGTGAGCCACCGCGCCCGGCCCGTAAATTTCGAGTTTT, p.Leu254delinsPhePhePhePhePhePhePheXaaXaaXaaXaaTer (NM_001322011.2, NM_001322012.2); c.1121_1122insTTTTTTTTTTTTTTTTTTTTNNNNNNNNNNCTGACCTCGTGATCCGCCCGCCTCGGCCTCCCAAAGTGCTGGGATTACAGGCGTGAGCCACCGCGCCCGGCCCGTAAATTTCGAGTTTT, p.Leu374delinsPhePhePhePhePhePhePheXaaXaaXaaXaaTer (NM_001322013.2, NM_001406909.1); c.1694_1695insTTTTTTTTTTTTTTTTTTTTNNNNNNNNNNCTGACCTCGTGATCCGCCCGCCTCGGCCTCCCAAAGTGCTGGGATTACAGGCGTGAGCCACCGCGCCCGGCCCGTAAATTTCGAGTTTT, p.Leu565delinsPhePhePhePhePhePhePheXaaXaaXaaXaaTer (NM_001322014.2, NM_001406871.1, NM_001406872.1); c.1385_1386insTTTTTTTTTTTTTTTTTTTTNNNNNNNNNNCTGACCTCGTGATCCGCCCGCCTCGGCCTCCCAAAGTGCTGGGATTACAGGCGTGAGCCACCGCGCCCGGCCCGTAAATTTCGAGTTTT, p.Leu462delinsPhePhePhePhePhePhePheXaaXaaXaaXaaTer (NM_001322015.2, NM_001406875.1, NM_001406877.1 and 5 more transcripts); c.1880_1881insTTTTTTTTTTTTTTTTTTTTNNNNNNNNNNCTGACCTCGTGATCCGCCCGCCTCGGCCTCCCAAAGTGCTGGGATTACAGGCGTGAGCCACCGCGCCCGGCCCGTAAATTTCGAGTTTT, p.Leu627delinsPhePhePhePhePhePhePheXaaXaaXaaXaaTer (NM_001406866.1); and 13 more.
Identifiers: ClinVar variation 3726278 (VCV003726278.2).